The following is an entry in ClinVar:

NM_015338.6(ASXL1):c.3635C>T (p.Ser1212Phe)

Gene: ASXL1 (ASXL transcriptional regulator 1; plus strand). Cytogenetic location: 20q11.21.
Variant type: single nucleotide variant.
Coding change: c.3635C>T on transcript NM_015338.6 (MANE Select); coding-DNA position 3635, C replaced by T.
Protein change: p.Ser1212Phe; replaces serine 1212 with phenylalanine.
Molecular consequence: missense variant.
Genome position (GRCh38, 1-based): chr20:32,436,347, C>T. VCF-style: chr20-32436347-C-T. GRCh37 (hg19) VCF-style: chr20-31024150-C-T.
Other names: c.3452C>T, p.Ser1151Phe (NM_001363734.1); short protein forms S1212F, S1151F.
Identifiers: ClinVar variation 191162 (VCV000191162.30), dbSNP rs542568224, ClinGen allele CA236150.

ClinVar aggregate classification (germline): Conflicting classifications of pathogenicity. Review status: criteria provided, conflicting classifications (1 of 4 stars). 5 submissions from 5 submitters: Uncertain significance (2); Benign (1); Likely benign (2). Last evaluated 2024-09-06.

Allele frequency attached by ClinVar (database versions not stated): gnomAD below 0.00001 and 0.00005; TOPMed 0.00002; ExAC 0.00032; gnomAD exomes 0.00034; 1000 Genomes Project 0.00060; 1000 Genomes Project 30x 0.00062.
gnomAD v4.1: 216 of 1,613,820 alleles (0.013%); highest among the groups gnomAD compares: South Asian, 0.22%; 3 homozygotes.

Submissions (5):

Labcorp Genetics (formerly Invitae), Labcorp
Classification: Likely benign. Last evaluated: 2024-09-06. Review status: criteria provided, single submitter. Criteria: Invitae Variant Classification Sherloc (09022015). Collection method: clinical testing. Allele origin: germline.

Genomic Medicine Center of Excellence, King Faisal Specialist Hospital and Research Centre
Classification: Uncertain significance. Last evaluated: 2024-03-08. Review status: criteria provided, single submitter. Criteria: ACMG Guidelines, 2015. Collection method: research. Allele origin: germline. Affected: yes.
Comment: The variant is now downgraded to VUS based on updated frequency (PMID: 31130284)

CeGaT Center for Human Genetics Tuebingen
Classification: Likely benign. Last evaluated: 2023-06-01. Review status: criteria provided, single submitter. Criteria: CeGaT Center For Human Genetics Tuebingen Variant Classification Criteria Version 2. Collection method: clinical testing. Allele origin: germline. Affected: yes. Observed: 1 variant allele.
Comment: ASXL1: BP4, BS1

Mendelics
Classification: Uncertain significance. Last evaluated: 2022-05-04. Review status: criteria provided, single submitter. Criteria: Mendelics Assertion Criteria 2019. Collection method: clinical testing. Allele origin: germline.

GeneDx
Classification: Benign. Last evaluated: 2020-03-19. Review status: criteria provided, single submitter. Criteria: GeneDx Variant Classification Process June 2021. Collection method: clinical testing. Allele origin: germline. Affected: yes.

Literature cited by the submitters: PubMed 31130284 (cited by Genomic Medicine Center of Excellence, King Faisal Specialist Hospital and Research Centre).